The following is an entry in ClinVar:

ClinVar aggregate classification (germline): Uncertain significance (1 of 4 stars; one submission).

Submission:

GeneDx
Classification: Uncertain significance. Last evaluated: 2025-02-13. Review status: criteria provided, single submitter. Criteria: GeneDx Variant Classification Process June 2021. Collection method: clinical testing. Allele origin: germline. Affected: yes.
Comment: Not observed at significant frequency in large population cohorts (gnomAD); In silico analysis indicates that this missense variant does not alter protein structure/function; Has not been previously published as pathogenic or benign to our knowledge

NM_015215.4(CAMTA1):c.1172G>C (p.Gly391Ala)

Gene: CAMTA1 (calmodulin binding transcription activator 1; plus strand). Cytogenetic location: 1p36.23.
Variant type: single nucleotide variant.
Coding change: c.1172G>C on transcript NM_015215.4 (MANE Select); coding-DNA position 1172, G replaced by C.
Protein change: p.Gly391Ala; replaces glycine 391 with alanine.
Molecular consequence: missense variant.
Genome position (GRCh38, 1-based): chr1:7,663,719, G>C. VCF-style: chr1-7663719-G-C. GRCh37 (hg19) VCF-style: chr1-7723779-G-C.
Other names: c.1082G>C, p.Gly361Ala (NM_001349608.2, NM_001349612.2); c.1172G>C, p.Gly391Ala (NM_001349609.2, NM_001349610.2, NM_001410737.1); c.1100G>C, p.Gly367Ala (NM_001410738.1); short protein forms G361A, G367A, G391A.
Identifiers: ClinVar variation 4075624 (VCV004075624.1).
Genomic context (GRCh38, chr1:7,663,719, plus strand): 5'-ACATGGTGGACAGCCCGGTGGTCACAGGTGTGTCCGGTATGGCGGTGGCCTCTGTGATGG[G>C]GAGCTTGTCCCAGAGCGCCACGGTGTTCATGTCAGAGGTCACCAATGAGGCCGTGTACAC-3'
Protein context (NP_056030.1, residues 381-401): VSGMAVASVM[Gly391Ala]SLSQSATVFM